The following is an entry in ClinVar:

ClinVar aggregate classification (germline): Uncertain significance (0 of 4 stars; one submission).

Submission:

Department of Pathology and Laboratory Medicine, Sinai Health System
Classification: Uncertain significance. Review status: no assertion criteria provided. Collection method: clinical testing. Allele origin: unknown. Affected: yes. Study: The Canadian Open Genetics Repository (COGR).
Comment: The SIX3 p.Glu129Lys variant was not identified in the literature nor was it identified in dbSNP, ClinVar or in the following control databases: the 1000 Genomes Project, the NHLBI GO Exome Sequencing Project, the Exome Aggregation Consortium (August 8th 2016), or the Genome Aggregation Database (March 6, 2019, v2.1.1). The p.Glu129 residue is conserved across mammals and other organisms, and four out of five computational analyses (PolyPhen-2, SIFT, AlignGVGD, BLOSUM, MutationTaster) suggest that the variant may impact the protein; however, this information is not predictive enough to assume pathogenicity. The variant occurs outside of the splicing consensus sequence and in silico or computational prediction software programs (SpliceSiteFinder, MaxEntScan, NNSPLICE, GeneSplicer) do not predict a difference in splicing. In summary, based on the above information the clinical significance of this variant cannot be determined with certainty at this time. This variant is classified as a variant of uncertain significance.

NM_005413.4(SIX3):c.385G>A (p.Glu129Lys)

Gene: SIX3 (SIX homeobox 3; plus strand). Cytogenetic location: 2p21.
Variant type: single nucleotide variant.
Coding change: c.385G>A on transcript NM_005413.4 (MANE Select); coding-DNA position 385, G replaced by A.
Protein change: p.Glu129Lys; replaces glutamic acid 129 with lysine.
Molecular consequence: missense variant.
Genome position (GRCh38, 1-based): chr2:44,942,489, G>A. VCF-style: chr2-44942489-G-A. GRCh37 (hg19) VCF-style: chr2-45169628-G-A.
Other names: short protein forms E129K.
Identifiers: ClinVar variation 1050783 (VCV001050783.1), dbSNP rs387906867, ClinGen allele CA346799464.
Genomic context (GRCh38, chr2:44,942,489, plus strand): 5'-GGCCGCTTCCTCTGGTCGCTGCCCGTGGCCCCCGGGGCGTGCGAGGCCATCAACAAACAC[G>A]AGTCGATCCTGCGCGCGCGCGCCGTGGTCGCCTTCCACACGGGCAACTTCCGCGACCTCT-3'
Protein context (NP_005404.1, residues 119-139): PGACEAINKH[Glu129Lys]SILRARAVVA